The following is an entry in ClinVar:

NM_000531.6(OTC):c.591G>A (p.Gly197=)

Gene: OTC (ornithine transcarbamylase; plus strand). Cytogenetic location: Xp11.4.
Variant type: single nucleotide variant.
Coding change: c.591G>A on transcript NM_000531.6 (MANE Select); coding-DNA position 591, G replaced by A.
Protein change: p.Gly197=; no amino-acid change (glycine 197 retained).
Molecular consequence: synonymous variant.
Genome position (GRCh38, 1-based): chrX:38,403,668, G>A. VCF-style: chrX-38403668-G-A. GRCh37 (hg19) VCF-style: chrX-38262921-G-A.
Identifiers: ClinVar variation 1656315 (VCV001656315.9), dbSNP rs1569279948, ClinGen allele CA515650657.

ClinVar aggregate classification (germline): Likely benign. Review status: criteria provided, multiple submitters, no conflicts (2 of 4 stars). 2 submissions from 2 submitters: Likely benign (2). Last evaluated 2024-01-08.

Conditions:
Ornithine carbamoyltransferase deficiency (OTCD). Also called: OTC DEFICIENCY; ORNITHINE TRANSCARBAMYLASE DEFICIENCY; ORNITHINE TRANSCARBAMYLASE DEFICIENCY, HYPERAMMONEMIA DUE TO; Ornithine Carbamoyltransferase Deficiency Disease. Identifiers: Orphanet 664, MedGen C0268542, MONDO:0010703, OMIM 311250.

Allele frequency attached by ClinVar (database versions not stated): gnomAD exomes 0.00001.
gnomAD v4.1: 7 of 1,208,017 alleles (0.00058%); highest among the groups gnomAD compares: Non-Finnish European, 0.00078%; no homozygotes.

Submissions (2):

All of Us Research Program, National Institutes of Health
Classification: Likely benign for Ornithine carbamoyltransferase deficiency. Last evaluated: 2024-01-08. Review status: criteria provided, single submitter. Criteria: ACMG Guidelines, 2015. Collection method: clinical testing. Allele origin: germline. Inheritance: X-linked inheritance. Observed: 1 variant allele, 1 heterozygote.
Comment: This study involves interpretation of variants in research participants for the purpose of population health screening. Participant phenotype was not available at the time of variant classification. Additional details can be found in publication PMID: 35346344, PMCID: PMC8962531

Labcorp Genetics (formerly Invitae), Labcorp
Classification: Likely benign for Ornithine carbamoyltransferase deficiency. Last evaluated: 2023-12-05. Review status: criteria provided, single submitter. Criteria: Invitae Variant Classification Sherloc (09022015). Collection method: clinical testing. Allele origin: germline.